The following is an entry in ClinVar:

NM_016247.4(IMPG2):c.3325G>A (p.Val1109Met)

Gene: IMPG2 (interphotoreceptor matrix proteoglycan 2; minus strand). Cytogenetic location: 3q12.3.
Variant type: single nucleotide variant.
Coding change: c.3325G>A on transcript NM_016247.4 (MANE Select); coding-DNA position 3325, G replaced by A.
Protein change: p.Val1109Met; replaces valine 1109 with methionine.
Molecular consequence: missense variant.
Genome position (GRCh38, 1-based): chr3:101,231,054, C>T on the plus strand (G>A on the coding strand, the complement: IMPG2 is on the minus strand). VCF-style: chr3-101231054-C-T. GRCh37 (hg19) VCF-style: chr3-100949898-C-T.
Other names: c.3325G>A (NM_016247.3); short protein forms V1109M.
Identifiers: ClinVar variation 1922326 (VCV001922326.4), dbSNP rs140621379, ClinGen allele CA2518782.

ClinVar aggregate classification (germline): Uncertain significance. Review status: criteria provided, multiple submitters, no conflicts (2 of 4 stars). 2 submissions from 2 submitters: Uncertain significance (2). Last evaluated 2024-01-16.

Conditions:
Inborn genetic diseases. Identifiers: MedGen C0950123, MeSH D030342.

Allele frequency attached by ClinVar (database versions not stated): ESP Exome Variant Server 0.00008.
gnomAD v4.1: 29 of 1,613,984 alleles (0.0018%); highest among the groups gnomAD compares: East Asian, 0.011%; no homozygotes.

Submissions (2):

Ambry Genetics
Classification: Uncertain significance for Inborn genetic diseases. Last evaluated: 2024-01-16. Review status: criteria provided, single submitter. Criteria: Ambry Variant Classification Scheme 2023. Collection method: clinical testing. Allele origin: germline.

Labcorp Genetics (formerly Invitae), Labcorp
Classification: Uncertain significance. Last evaluated: 2023-11-27. Review status: criteria provided, single submitter. Criteria: Invitae Variant Classification Sherloc (09022015). Collection method: clinical testing. Allele origin: germline.
Comment: This sequence change replaces valine, which is neutral and non-polar, with methionine, which is neutral and non-polar, at codon 1109 of the IMPG2 protein (p.Val1109Met). This variant is present in population databases (rs140621379, gnomAD 0.006%). This variant has not been reported in the literature in individuals affected with IMPG2-related conditions. ClinVar contains an entry for this variant (Variation ID: 1922326). Advanced modeling of protein sequence and biophysical properties (such as structural, functional, and spatial information, amino acid conservation, physicochemical variation, residue mobility, and thermodynamic stability) performed at Invitae indicates that this missense variant is not expected to disrupt IMPG2 protein function with a negative predictive value of 80%. In summary, the available evidence is currently insufficient to determine the role of this variant in disease. Therefore, it has been classified as a Variant of Uncertain Significance.